The following is an entry in ClinVar:

NM_001083962.2(TCF4):c.1105G>A (p.Ala369Thr)

Gene: TCF4 (transcription factor 4; minus strand). Cytogenetic location: 18q21.2.
Variant type: single nucleotide variant.
Coding change: c.1105G>A on transcript NM_001083962.2 (MANE Select); coding-DNA position 1105, G replaced by A.
Protein change: p.Ala369Thr; replaces alanine 369 with threonine.
Molecular consequence: missense variant.
Genome position (GRCh38, 1-based): chr18:55,257,356, C>T on the plus strand (G>A on the coding strand, the complement: TCF4 is on the minus strand). VCF-style: chr18-55257356-C-T. GRCh37 (hg19) VCF-style: chr18-52924587-C-T.
Other names: c.715G>A, p.Ala239Thr (NM_001330605.3, NM_001348212.2, NM_001348213.2 and 1 more transcripts); c.979G>A, p.Ala327Thr (NM_001348211.2, NM_001243231.2); c.622G>A, p.Ala208Thr (NM_001348214.2); c.457G>A, p.Ala153Thr (NM_001348215.2); c.625G>A, p.Ala209Thr (NM_001348216.2, NM_001243234.2, NM_001243235.2 and 1 more transcripts); c.1033G>A, p.Ala345Thr (NM_001348217.1, NM_001348218.2, NM_001348219.2 and 5 more transcripts); c.1030G>A, p.Ala344Thr (NM_001369576.1, NM_001369577.1, NM_001369578.1 and 6 more transcripts); c.1411G>A, p.Ala471Thr (NM_001243226.3); and 6 more; short protein forms A153T, A208T, A209T, A239T, A298T, A327T, A344T, A345T.
Identifiers: ClinVar variation 1801341 (VCV001801341.4), dbSNP rs763311559, ClinGen allele CA8970270.

ClinVar aggregate classification (germline): Uncertain significance. Review status: criteria provided, multiple submitters, no conflicts (2 of 4 stars). 2 submissions from 2 submitters: Uncertain significance (2). Last evaluated 2023-10-12.

Conditions:
Pitt-Hopkins syndrome (PTHS). Also called: ENCEPHALOPATHY, SEVERE EPILEPTIC, WITH AUTONOMIC DYSFUNCTION; MENTAL RETARDATION, SYNDROMAL, WITH INTERMITTENT HYPERVENTILATION. Identifiers: Orphanet 2896, MedGen C1970431, MONDO:0012589, OMIM 610954.

Allele frequency attached by ClinVar (database versions not stated): ExAC 0.00001; gnomAD 0.00001; gnomAD exomes 0.00001; TOPMed 0.00001.
gnomAD v4.1: 6 of 1,613,624 alleles (0.00037%); highest among the groups gnomAD compares: African/African-American, 0.0013%; no homozygotes.

Submissions (2):

Labcorp Genetics (formerly Invitae), Labcorp
Classification: Uncertain significance for Pitt-Hopkins syndrome. Last evaluated: 2023-10-12. Review status: criteria provided, single submitter. Criteria: Invitae Variant Classification Sherloc (09022015). Collection method: clinical testing. Allele origin: germline.
Comment: This sequence change replaces alanine, which is neutral and non-polar, with threonine, which is neutral and polar, at codon 369 of the TCF4 protein (p.Ala369Thr). This variant is present in population databases (rs763311559, gnomAD 0.0009%). This variant has not been reported in the literature in individuals affected with TCF4-related conditions. ClinVar contains an entry for this variant (Variation ID: 1801341). Advanced modeling of protein sequence and biophysical properties (such as structural, functional, and spatial information, amino acid conservation, physicochemical variation, residue mobility, and thermodynamic stability) performed at Invitae indicates that this missense variant is not expected to disrupt TCF4 protein function. In summary, the available evidence is currently insufficient to determine the role of this variant in disease. Therefore, it has been classified as a Variant of Uncertain Significance.

Institute of Human Genetics, Clinical Exome/Genome Diagnostics Group, University Hospital Bonn
Classification: Uncertain significance for Pitt-Hopkins syndrome. Last evaluated: 2020-11-20. Review status: criteria provided, single submitter. Criteria: ACMG Guidelines, 2015. Collection method: clinical testing. Allele origin: germline. Affected: yes.